The following is an entry in ClinVar:

ClinVar aggregate classification (germline): Uncertain significance. Review status: criteria provided, multiple submitters, no conflicts (2 of 4 stars). 2 submissions from 2 submitters: Uncertain significance (2). Last evaluated 2025-04-24.

Conditions:
Inborn genetic diseases. Identifiers: MedGen C0950123, MeSH D030342.
Granulomatous disease, chronic, X-linked. Also called: GRANULOMATOUS DISEASE, CHRONIC, X-LINKED, SOMATIC MOSAIC; CYTOCHROME b-NEGATIVE GRANULOMATOUS DISEASE, CHRONIC, X-LINKED. Identifiers: Orphanet 379, MedGen C1844376, MONDO:0010600, OMIM 306400.

gnomAD v4.1: 1 of 1,193,874 alleles (0.000084%); highest among the groups gnomAD compares: Non-Finnish European, 0.00011%; no homozygotes.

Submissions (2):

Ambry Genetics
Classification: Uncertain significance for Inborn genetic diseases. Last evaluated: 2025-04-24. Review status: criteria provided, single submitter. Criteria: Ambry Variant Classification Scheme 2023. Collection method: clinical testing. Allele origin: germline.

Labcorp Genetics (formerly Invitae), Labcorp
Classification: Uncertain significance for Granulomatous disease, chronic, X-linked. Last evaluated: 2024-12-12. Review status: criteria provided, single submitter. Criteria: Invitae Variant Classification Sherloc (09022015). Collection method: clinical testing. Allele origin: germline.
Comment: This sequence change replaces glycine, which is neutral and non-polar, with aspartic acid, which is acidic and polar, at codon 166 of the CYBB protein (p.Gly166Asp). This variant is not present in population databases (gnomAD no frequency). This variant has not been reported in the literature in individuals affected with CYBB-related conditions. Invitae Evidence Modeling of protein sequence and biophysical properties (such as structural, functional, and spatial information, amino acid conservation, physicochemical variation, residue mobility, and thermodynamic stability) indicates that this missense variant is not expected to disrupt CYBB protein function with a negative predictive value of 80%. In summary, the available evidence is currently insufficient to determine the role of this variant in disease. Therefore, it has been classified as a Variant of Uncertain Significance.

NM_000397.4(CYBB):c.497G>A (p.Gly166Asp)

Gene: CYBB (cytochrome b-245 beta chain; plus strand). Cytogenetic location: Xp21.1.
Variant type: single nucleotide variant.
Coding change: c.497G>A on transcript NM_000397.4 (MANE Select); coding-DNA position 497, G replaced by A.
Protein change: p.Gly166Asp; replaces glycine 166 with aspartic acid.
Molecular consequence: missense variant.
Genome position (GRCh38, 1-based): chrX:37,795,964, G>A. VCF-style: chrX-37795964-G-A. GRCh37 (hg19) VCF-style: chrX-37655217-G-A.
Other names: short protein forms G166D.
Identifiers: ClinVar variation 3702845 (VCV003702845.3).